The following is an entry in ClinVar:

ClinVar aggregate classification (germline): Uncertain significance (1 of 4 stars; one submission).

Conditions:
Lethal multiple pterygium syndrome (LMPS). Identifiers: Orphanet 33108, MedGen C1854678, MONDO:0009668, OMIM 253290.

Submission:

Labcorp Genetics (formerly Invitae), Labcorp
Classification: Uncertain significance for Lethal multiple pterygium syndrome. Last evaluated: 2019-09-12. Review status: criteria provided, single submitter. Criteria: Invitae Variant Classification Sherloc (09022015). Collection method: clinical testing. Allele origin: germline.
Comment: In summary, the available evidence is currently insufficient to determine the role of this variant in disease. Therefore, it has been classified as a Variant of Uncertain Significance. Algorithms developed to predict the effect of missense changes on protein structure and function output the following: SIFT: "Tolerated"; PolyPhen-2: "Benign"; Align-GVGD: "Class C0". The aspartic acid amino acid residue is found in multiple mammalian species, suggesting that this missense change does not adversely affect protein function. These predictions have not been confirmed by published functional studies and their clinical significance is uncertain. This variant has not been reported in the literature in individuals with CHRND-related conditions. This variant is not present in population databases (ExAC no frequency). This sequence change replaces glutamic acid with aspartic acid at codon 430 of the CHRND protein (p.Glu430Asp). The glutamic acid residue is weakly conserved and there is a small physicochemical difference between glutamic acid and aspartic acid.

NM_000751.3(CHRND):c.1290A>T (p.Glu430Asp)

Gene: CHRND (cholinergic receptor nicotinic delta subunit; plus strand). Cytogenetic location: 2q37.1.
Variant type: single nucleotide variant.
Coding change: c.1290A>T on transcript NM_000751.3 (MANE Select); coding-DNA position 1290, A replaced by T.
Protein change: p.Glu430Asp; replaces glutamic acid 430 with aspartic acid.
Molecular consequence: missense variant.
Genome position (GRCh38, 1-based): chr2:232,534,261, A>T. VCF-style: chr2-232534261-A-T. GRCh37 (hg19) VCF-style: chr2-233398971-A-T.
Other names: c.1245A>T, p.Glu415Asp (NM_001256657.2); c.708A>T, p.Glu236Asp (NM_001311195.2); c.987A>T, p.Glu329Asp (NM_001311196.2); short protein forms E415D, E430D, E236D, E329D.
Identifiers: ClinVar variation 935357 (VCV000935357.9), dbSNP rs1691812180, ClinGen allele CA351005564.